The following is an entry in ClinVar:

NM_025207.5(FLAD1):c.112C>G (p.Pro38Ala)

Gene: FLAD1 (flavin adenine dinucleotide synthetase 1; plus strand). Cytogenetic location: 1q21.3.
Variant type: single nucleotide variant.
Coding change: c.112C>G on transcript NM_025207.5 (MANE Select); coding-DNA position 112, C replaced by G.
Protein change: p.Pro38Ala; replaces proline 38 with alanine.
Molecular consequence: missense variant. On other transcripts: intron variant (3).
Genome position (GRCh38, 1-based): chr1:154,983,806, C>G. VCF-style: chr1-154983806-C-G. GRCh37 (hg19) VCF-style: chr1-154956282-C-G.
Other names: c.-144-36C>G (NM_001184891.2, NM_201398.3); c.-789-36C>G (NM_001184892.2); short protein forms P38A.
Identifiers: ClinVar variation 1930766 (VCV001930766.2), dbSNP rs917706772, ClinGen allele CA342734086.
Genomic context (GRCh38, chr1:154,983,806, plus strand): 5'-CGCTTGTCAAGGATCTGGTTAGAGAAGACTAGGGTCTTCCTCGAAGGAAGCACGCGCACG[C>G]CTGCTCTCCCCCATTGTCTTTTCTGGCTTCTCCAGGTTCCCTCGACCCAGGACCCCCTGT-3'
Protein context (NP_079483.3, residues 28-48): RVFLEGSTRT[Pro38Ala]ALPHCLFWLL

ClinVar aggregate classification (germline): Uncertain significance (1 of 4 stars; one submission).

Allele frequency attached by ClinVar (database versions not stated): gnomAD 0.00001.
gnomAD v4.1: 7 of 1,614,066 alleles (0.00043%); highest among the groups gnomAD compares: African/African-American, 0.004%; no homozygotes.

Submission:

Labcorp Genetics (formerly Invitae), Labcorp
Classification: Uncertain significance. Last evaluated: 2022-06-11. Review status: criteria provided, single submitter. Criteria: Invitae Variant Classification Sherloc (09022015). Collection method: clinical testing. Allele origin: germline.
Comment: This sequence change replaces proline, which is neutral and non-polar, with alanine, which is neutral and non-polar, at codon 38 of the FLAD1 protein (p.Pro38Ala). This variant is present in population databases (no rsID available, gnomAD 0.01%). This variant has not been reported in the literature in individuals affected with FLAD1-related conditions. Algorithms developed to predict the effect of missense changes on protein structure and function are either unavailable or do not agree on the potential impact of this missense change (SIFT: "Deleterious"; PolyPhen-2: "Benign"; Align-GVGD: "Class C0"). In summary, the available evidence is currently insufficient to determine the role of this variant in disease. Therefore, it has been classified as a Variant of Uncertain Significance.